The following is an entry in ClinVar:

ClinVar aggregate classification (germline): Uncertain significance (1 of 4 stars; one submission).

Allele frequency attached by ClinVar (database versions not stated): gnomAD 0.00001; TOPMed 0.00001.

Submission:

Labcorp Genetics (formerly Invitae), Labcorp
Classification: Uncertain significance. Last evaluated: 2022-09-06. Review status: criteria provided, single submitter. Criteria: Invitae Variant Classification Sherloc (09022015). Collection method: clinical testing. Allele origin: germline.
Comment: In summary, the available evidence is currently insufficient to determine the role of this variant in disease. Therefore, it has been classified as a Variant of Uncertain Significance. Algorithms developed to predict the effect of sequence changes on RNA splicing suggest that this variant may create or strengthen a splice site. This variant has not been reported in the literature in individuals affected with IL12RB2-related conditions. This variant is not present in population databases (gnomAD no frequency). This sequence change falls in intron 5 of the IL12RB2 gene. It does not directly change the encoded amino acid sequence of the IL12RB2 protein.

NM_001374259.2(IL12RB2):c.665-9G>C

Gene: IL12RB2 (interleukin 12 receptor subunit beta 2; plus strand). Cytogenetic location: 1p31.3.
Variant type: single nucleotide variant.
Coding change: c.665-9G>C on transcript NM_001374259.2 (MANE Select); 9 bases into the intron before coding-DNA position 665, G replaced by C.
Molecular consequence: intron variant.
Genome position (GRCh38, 1-based): chr1:67,329,578, G>C. VCF-style: chr1-67329578-G-C. GRCh37 (hg19) VCF-style: chr1-67795261-G-C.
Other names: c.665-9G>C (NM_001258214.1, NM_001319233.1, NM_001258216.1 and 2 more transcripts).
Identifiers: ClinVar variation 1927175 (VCV001927175.5), dbSNP rs1240489141, ClinGen allele CA738063125.